The following is an entry in ClinVar:

ClinVar aggregate classification (germline): Uncertain significance (1 of 4 stars; one submission).

Conditions:
Focal segmental glomerulosclerosis 7 (FSGS7). Identifiers: Orphanet 656, MedGen C4014925, MONDO:0014451, OMIM 616002.
Renal coloboma syndrome (PAPRS). Also called: PAPILLORENAL SYNDROME; COLOBOMA OF OPTIC NERVE WITH RENAL DISEASE; PAPILLORENAL SYNDROME WITH MILD OCULAR ABNORMALITIES; OPTIC COLOBOMA, VESICOURETERAL REFLUX, AND RENAL ANOMALIES; OPTIC NERVE COLOBOMA WITH RENAL DISEASE; RENAL-COLOBOMA SYNDROME WITH MACULAR ABNORMALITIES. Identifiers: Orphanet 1475, MedGen C1852759, MONDO:0007352, OMIM 120330.

Submission:

Labcorp Genetics (formerly Invitae), Labcorp
Classification: Uncertain significance for Renal coloboma syndrome; Focal segmental glomerulosclerosis 7. Last evaluated: 2022-06-29. Review status: criteria provided, single submitter. Criteria: Invitae Variant Classification Sherloc (09022015). Collection method: clinical testing. Allele origin: germline.
Comment: In summary, the available evidence is currently insufficient to determine the role of this variant in disease. Therefore, it has been classified as a Variant of Uncertain Significance. Experimental studies and prediction algorithms are not available or were not evaluated, and the functional significance of this variant is currently unknown. This variant has not been reported in the literature in individuals affected with PAX2-related conditions. This variant is not present in population databases (gnomAD no frequency). This sequence change creates a premature translational stop signal (p.Gly369*) in the PAX2 gene. While this is not anticipated to result in nonsense mediated decay, it is expected to disrupt the last 28 amino acid(s) of the PAX2 protein.

NM_000278.5(PAX2):c.1022G>T (p.Gly341Val)

Gene: PAX2 (paired box 2; plus strand). Cytogenetic location: 10q24.31.
Variant type: single nucleotide variant.
Coding change: c.1022G>T on transcript NM_000278.5 (MANE Select); coding-DNA position 1022, G replaced by T.
Protein change: p.Gly341Val; replaces glycine 341 with valine.
Molecular consequence: missense variant. On other transcripts: nonsense (1).
Genome position (GRCh38, 1-based): chr10:100,827,009, G>T. VCF-style: chr10-100827009-G-T. GRCh37 (hg19) VCF-style: chr10-102586766-G-T.
Other names: c.1115G>T, p.Gly372Val (NM_001304569.2); c.1091G>T, p.Gly364Val (NM_003987.5, NM_003990.5); c.1105G>T, p.Gly369Ter (NM_003988.5); c.1022G>T, p.Gly341Val (NM_003989.5); short protein forms G372V, G341V, G369*, G364V.
Identifiers: ClinVar variation 2012304 (VCV002012304.4), dbSNP rs1201398091, ClinGen allele CA378259916.